The following is an entry in ClinVar:

NM_015335.5(MED13L):c.3033C>G (p.Asp1011Glu)

Gene: MED13L (mediator complex subunit 13L; minus strand). Cytogenetic location: 12q24.21.
Variant type: single nucleotide variant.
Coding change: c.3033C>G on transcript NM_015335.5 (MANE Select); coding-DNA position 3033, C replaced by G.
Protein change: p.Asp1011Glu; replaces aspartic acid 1011 with glutamic acid.
Molecular consequence: missense variant.
Genome position (GRCh38, 1-based): chr12:115,991,921, G>C on the plus strand (C>G on the coding strand, the complement: MED13L is on the minus strand). VCF-style: chr12-115991921-G-C. GRCh37 (hg19) VCF-style: chr12-116429726-G-C.
Other names: short protein forms D1011E.
Identifiers: ClinVar variation 1065440 (VCV001065440.4), dbSNP rs1878087028, ClinGen allele CA386889109.
Genomic context (GRCh38, chr12:115,991,921, plus strand): 5'-GCTGGCTGGGGCAGCGCTGTTCAACGTCACGGGTGTGTTCATCTGTGGTGTGTTCAGATA[G>C]TCTGGATCTGCTAGGCTCCCAACACTAGGCACGTTACTACAAAAAGAGAAGGCACCAAGT-3'
Protein context (NP_056150.1, residues 1001-1021): VPSVGSLADP[Asp1011Glu]YLNTPQMNTP

ClinVar aggregate classification (germline): Uncertain significance. Review status: criteria provided, multiple submitters, no conflicts (2 of 4 stars). 3 submissions from 3 submitters: Uncertain significance (3). Last evaluated 2026-01-07.

Conditions:
Inborn genetic diseases. Identifiers: MedGen C0950123, MeSH D030342.
Cardiac anomalies - developmental delay - facial dysmorphism syndrome (MRFACD). Also called: MED13L Syndrome; Impaired intellectual development and distinctive facial features with or without cardiac defects. Identifiers: Orphanet 369891, MedGen C5192431, MONDO:0014773, OMIM 616789.

Allele frequency attached by ClinVar (database versions not stated): gnomAD exomes below 0.00001.
gnomAD v4.1: 6 of 1,600,080 alleles (0.00037%); highest among the groups gnomAD compares: Middle Eastern, 0.017%; no homozygotes.

Submissions (3):

Women's Health and Genetics/Laboratory Corporation of America, LabCorp
Classification: Uncertain significance. Last evaluated: 2026-01-07. Review status: criteria provided, single submitter. Criteria: LabCorp Variant Classification Summary - May 2015. Collection method: clinical testing. Allele origin: germline.
Comment: Variant summary: MED13L c.3033C>G (p.Asp1011Glu) results in a conservative amino acid change in the encoded protein sequence. Algorithms developed to predict the effect of missense changes on protein structure and function are either unavailable or do not agree on the potential impact of this missense change. The variant was absent in 239144 control chromosomes. The available data on variant occurrences in the general population are insufficient to allow any conclusion about variant significance. To our knowledge, no occurrence of c.3033C>G in individuals affected with MED13L-related conditions and no experimental evidence demonstrating its impact on protein function have been reported. ClinVar contains an entry for this variant (Variation ID: 1065440). Based on the evidence outlined above, the variant was classified as uncertain significance.

Ambry Genetics
Classification: Uncertain significance for Inborn genetic diseases. Last evaluated: 2025-02-27. Review status: criteria provided, single submitter. Criteria: Ambry Variant Classification Scheme 2023. Collection method: clinical testing. Allele origin: germline.

Genomic Medicine Lab, University of California San Francisco
Classification: Uncertain significance for Cardiac anomalies - developmental delay - facial dysmorphism syndrome. Last evaluated: 2020-06-25. Review status: criteria provided, single submitter. Criteria: ACMG Guidelines, 2015. Collection method: clinical testing. Allele origin: unknown. Inheritance: Autosomal dominant inheritance. Affected: yes. Study: CSER-P3EGS.